The following is an entry in ClinVar:

NM_001184.4(ATR):c.7025A>G (p.Asn2342Ser)

Gene: ATR (ATR checkpoint kinase; minus strand). Cytogenetic location: 3q23.
Variant type: single nucleotide variant.
Coding change: c.7025A>G on transcript NM_001184.4 (MANE Select); coding-DNA position 7025, A replaced by G.
Protein change: p.Asn2342Ser; replaces asparagine 2342 with serine.
Molecular consequence: missense variant.
Genome position (GRCh38, 1-based): chr3:142,465,113, T>C on the plus strand (A>G on the coding strand, the complement: ATR is on the minus strand). VCF-style: chr3-142465113-T-C. GRCh37 (hg19) VCF-style: chr3-142183955-T-C.
Other names: c.6833A>G, p.Asn2278Ser (NM_001354579.2); short protein forms N2278S, N2342S.
Identifiers: ClinVar variation 2919109 (VCV002919109.3), dbSNP rs2108270886, ClinGen allele CA354800490.

ClinVar aggregate classification (germline): Uncertain significance (1 of 4 stars; one submission).

Allele frequency attached by ClinVar (database versions not stated): gnomAD exomes below 0.00001.
gnomAD v4.1: 2 of 1,543,604 alleles (0.00013%); highest among the groups gnomAD compares: Non-Finnish European, 0.00017%; no homozygotes.

Submission:

Labcorp Genetics (formerly Invitae), Labcorp
Classification: Uncertain significance. Last evaluated: 2023-06-21. Review status: criteria provided, single submitter. Criteria: Invitae Variant Classification Sherloc (09022015). Collection method: clinical testing. Allele origin: germline.
Comment: In summary, the available evidence is currently insufficient to determine the role of this variant in disease. Therefore, it has been classified as a Variant of Uncertain Significance. An algorithm developed to predict the effect of missense changes on protein structure and function (PolyPhen-2) suggests that this variant is likely to be disruptive. This variant has not been reported in the literature in individuals affected with ATR-related conditions. This variant is not present in population databases (gnomAD no frequency). This sequence change replaces asparagine, which is neutral and polar, with serine, which is neutral and polar, at codon 2342 of the ATR protein (p.Asn2342Ser).